The following is an entry in ClinVar:

ClinVar aggregate classification (germline): Uncertain significance (1 of 4 stars; one submission).

Conditions:
Hearing impairment. Also called: Impaired Hearing. Identifiers: MedGen C1384666, MONDO:0005365, HP:0000365.

Allele frequency attached by ClinVar (database versions not stated): gnomAD exomes 0.00001.
gnomAD v4.1: 11 of 1,612,276 alleles (0.00068%); highest among the groups gnomAD compares: Non-Finnish European, 0.00093%; no homozygotes.

Submission:

Department of Otolaryngology – Head & Neck Surgery, Cochlear Implant Center
Classification: Uncertain significance for Hearing impairment. Last evaluated: 2021-04-12. Review status: criteria provided, single submitter. Criteria: ClinGen HL ACMG Specifications v1. Collection method: clinical testing. Allele origin: germline. Affected: yes.
Comment: PM2_Supporting, BP4_Moderate

NM_016239.4(MYO15A):c.266A>C (p.Gln89Pro)

Gene: MYO15A (myosin XVA; plus strand). Cytogenetic location: 17p11.2.
Variant type: single nucleotide variant.
Coding change: c.266A>C on transcript NM_016239.4 (MANE Select); coding-DNA position 266, A replaced by C.
Protein change: p.Gln89Pro; replaces glutamine 89 with proline.
Molecular consequence: missense variant.
Genome position (GRCh38, 1-based): chr17:18,119,066, A>C. VCF-style: chr17-18119066-A-C. GRCh37 (hg19) VCF-style: chr17-18022380-A-C.
Other names: short protein forms Q89P.
Identifiers: ClinVar variation 1064959 (VCV001064959.3), dbSNP rs2142237084, ClinGen allele CA398572342.